The following is an entry in ClinVar:

ClinVar aggregate classification (germline): Likely benign. Review status: criteria provided, multiple submitters, no conflicts (2 of 4 stars). 3 submissions from 3 submitters: Likely benign (3). Last evaluated 2026-01-09.

Conditions:
Early-infantile DEE. Also called: Early infantile epileptic encephalopathy with suppression bursts; Early infantile epileptic encephalopathy; Ohtahara syndrome. Identifiers: Orphanet 1934, MedGen C0393706, MONDO:0800491.

Allele frequency attached by ClinVar (database versions not stated): gnomAD exomes 0.00002 and 0.00009; gnomAD 0.00003; TOPMed 0.00005; ExAC 0.00006.
gnomAD v4.1: 30 of 1,613,924 alleles (0.0019%); highest among the groups gnomAD compares: Admixed American, 0.045%; 1 homozygote.

Submissions (3):

Labcorp Genetics (formerly Invitae), Labcorp
Classification: Likely benign for Early-infantile DEE. Last evaluated: 2026-01-09. Review status: criteria provided, single submitter. Criteria: Invitae Variant Classification Sherloc (09022015). Collection method: clinical testing. Allele origin: germline.

ARUP Laboratories, Molecular Genetics and Genomics, ARUP Laboratories
Classification: Likely benign. Last evaluated: 2024-10-28. Review status: criteria provided, single submitter. Criteria: ARUP Molecular Germline Variant Investigation Process 2024. Collection method: clinical testing. Allele origin: germline.

GeneDx
Classification: Likely benign. Last evaluated: 2016-04-07. Review status: criteria provided, single submitter. Criteria: GeneDx Variant Classification (06012015). Collection method: clinical testing. Allele origin: germline. Affected: yes.
Comment: This variant is considered likely benign or benign based on one or more of the following criteria: it is a conservative change, it occurs at a poorly conserved position in the protein, it is predicted to be benign by multiple in silico algorithms, and/or has population frequency not consistent with disease.

NM_001330260.2(SCN8A):c.195G>A (p.Leu65=)

Genes: SCN8A (sodium voltage-gated channel alpha subunit 8; plus strand), LOC114803470 (SCN8A eExon liver enhancer; plus strand). Cytogenetic location: 12q13.13.
Variant type: single nucleotide variant.
Coding change: c.195G>A on transcript NM_001330260.2 (MANE Select); coding-DNA position 195, G replaced by A.
Protein change: p.Leu65=; no amino-acid change (leucine 65 retained).
Molecular consequence: synonymous variant.
Genome position (GRCh38, 1-based): chr12:51,663,012, G>A. VCF-style: chr12-51663012-G-A. GRCh37 (hg19) VCF-style: chr12-52056796-G-A.
Other names: c.195G>A, p.Leu65= (NM_001177984.3, NM_001369788.1, NM_014191.4).
Identifiers: ClinVar variation 385247 (VCV000385247.12), dbSNP rs748136961, ClinGen allele CA6571009.
Genomic context (GRCh38, chr12:51,663,012, plus strand): 5'-GGAGGACGATGAGGACAGCAAGCCCAAGCCAAACAGCGACCTGGAAGCAGGGAAGAGTTT[G>A]CCTTTCATCTACGGGGACATCCCCCAAGGCCTGGTTGCAGTTCCCCTGGAGGACTTTGAC-3'
Protein context (NP_001317189.1, residues 55-75): PNSDLEAGKS[Leu65=]PFIYGDIPQG